The following is an entry in ClinVar:

ClinVar aggregate classification (germline): Conflicting classifications of pathogenicity. Review status: criteria provided, conflicting classifications (1 of 4 stars). 7 submissions from 7 submitters: Uncertain significance (1); Likely benign (5). 1 of the submissions does not count toward it. Last evaluated 2026-05-12.

Conditions:
TTN-related disorder. Also called: TTN-related condition; TTN-related disease; TTN-related disorders.
Autosomal recessive limb-girdle muscular dystrophy type 2J (LGMDR10). Also called: Limb-girdle muscular dystrophy, type 2J; MUSCULAR DYSTROPHY, LIMB-GIRDLE, AUTOSOMAL RECESSIVE 10. Identifiers: Orphanet 140922, MedGen C1837342, MONDO:0012127, OMIM 608807.
Dilated cardiomyopathy 1G (CMD1G). Identifiers: Orphanet 154, MedGen C1858763, MONDO:0011400, OMIM 604145.

Allele frequency attached by ClinVar (database versions not stated): gnomAD exomes 0.00007 and 0.00015; ESP Exome Variant Server 0.00008; ExAC 0.00009; gnomAD 0.00009 and 0.00010; TOPMed 0.00010.
gnomAD v4.1: 119 of 1,553,440 alleles (0.0077%); highest among the groups gnomAD compares: East Asian, 0.023%; no homozygotes.

Submissions (7):

Women's Health and Genetics/Laboratory Corporation of America, LabCorp
Classification: Likely benign. Last evaluated: 2026-05-12. Review status: criteria provided, single submitter. Criteria: LabCorp Variant Classification Summary - May 2015. Collection method: clinical testing. Allele origin: germline.
Comment: Variant summary: TTN c.65098C>T (p.Arg21700Cys) results in a non-conservative amino acid change in the encoded protein sequence. Algorithms developed to predict the effect of missense changes on protein structure and function all suggest that this variant is likely to be disruptive. The variant allele was found at a frequency of 0.00014 in 230026 control chromosomes, predominantly at a frequency of 0.0027 within the Ashkenazi Jewish subpopulation in the gnomAD database. The observed variant frequency within Ashkenazi Jewish control individuals in the gnomAD database exceeds the estimated maximal expected allele frequency for disease-causing variants in TTN. To our knowledge, no occurrence of c.65098C>T in individuals affected with TTN-related conditions and no experimental evidence demonstrating its impact on protein function have been reported. ClinVar contains an entry for this variant (Variation ID: 700266). Based on the evidence outlined above, the variant was classified as likely benign.

Labcorp Genetics (formerly Invitae), Labcorp
Classification: Likely benign for Dilated cardiomyopathy 1G; Autosomal recessive limb-girdle muscular dystrophy type 2J. Last evaluated: 2026-01-26. Review status: criteria provided, single submitter. Criteria: Invitae Variant Classification Sherloc (09022015). Collection method: clinical testing. Allele origin: germline.

PreventionGenetics, part of Exact Sciences
Classification: Likely benign for TTN-related condition. Last evaluated: 2025-11-19. Review status: criteria provided, single submitter. Criteria: ACMG Guidelines, 2015. Collection method: clinical testing. Allele origin: germline.
Comment: This variant is classified as likely benign based on ACMG/AMP sequence variant interpretation guidelines (Richards et al. 2015 PMID: 25741868, with internal and published modifications).

Revvity Omics, Revvity
Classification: Uncertain significance. Last evaluated: 2025-03-28. Review status: criteria provided, single submitter. Criteria: ACMG Guidelines, 2015. Collection method: clinical testing. Allele origin: germline.

ARUP Laboratories, Molecular Genetics and Genomics, ARUP Laboratories
Classification: Likely benign. Last evaluated: 2022-12-01. Review status: criteria provided, single submitter. Criteria: ARUP Molecular Germline Variant Investigation Process 2024. Collection method: clinical testing. Allele origin: germline.

GeneDx
Classification: Likely benign. Last evaluated: 2019-01-15. Review status: criteria provided, single submitter. Criteria: GeneDx Variant Classification Process June 2021. Collection method: clinical testing. Allele origin: germline. Affected: yes.

Department of Pathology and Laboratory Medicine, Sinai Health System
Classification: Uncertain significance. Review status: no assertion criteria provided. Collection method: clinical testing. Allele origin: unknown. Affected: yes. Study: The Canadian Open Genetics Repository (COGR). Not counted in ClinVar's aggregate classification.
Comment: The TTN p.Arg15328Cys variant was not identified in the literature nor was it identified in ClinVar, Cosmic or LOVD 3.0. The variant was identified in dbSNP (ID: rs370474301) and in control databases in 32 of 230026 chromosomes at a frequency of 0.000139 (Genome Aggregation Database Feb 27, 2017). The variant was observed in the following populations: Ashkenazi Jewish in 16 of 5950 chromosomes (freq: 0.002689), East Asian in 5 of 18102 chromosomes (freq: 0.000276), Other in 1 of 5710 chromosomes (freq: 0.000175), European (non-Finnish) in 8 of 109478 chromosomes (freq: 0.000073), African in 1 of 23592 chromosomes (freq: 0.000042) and Latino in 1 of 26958 chromosomes (freq: 0.000037); it was not observed in the European (Finnish) and South Asian populations. The variant occurs outside of the splicing consensus sequence and in silico or computational prediction software programs (SpliceSiteFinder, MaxEntScan, NNSPLICE, GeneSplicer) do not predict a difference in splicing. Three out of three computational analyses (PolyPhen-2, BLOSUM, MutationTaster) suggest that the variant may impact the protein; however, this information is not predictive enough to assume pathogenicity. In summary, based on the above information the clinical significance of this variant cannot be determined with certainty at this time. This variant is classified as a variant of uncertain significance.

NM_001267550.2(TTN):c.72802C>T (p.Arg24268Cys)

Genes: TTN (titin; minus strand), TTN-AS1 (TTN antisense RNA 1; plus strand). Cytogenetic location: 2q31.2.
Variant type: single nucleotide variant.
Coding change: c.72802C>T on transcript NM_001267550.2 (MANE Select); coding-DNA position 72802, C replaced by T.
Protein change: p.Arg24268Cys; replaces arginine 24268 with cysteine.
Molecular consequence: missense variant.
Genome position (GRCh38, 1-based): chr2:178,573,330, G>A on the plus strand (C>T on the coding strand, the complement: TTN is on the minus strand). VCF-style: chr2-178573330-G-A. GRCh37 (hg19) VCF-style: chr2-179438057-G-A.
Other names: c.67879C>T, p.Arg22627Cys (NM_001256850.1); c.45607C>T, p.Arg15203Cys (NM_003319.4); c.65098C>T, p.Arg21700Cys (NM_133378.4); c.45982C>T, p.Arg15328Cys (NM_133432.3); c.46183C>T, p.Arg15395Cys (NM_133437.4); short protein forms R15328C, R15395C, R24268C, R15203C, R22627C, R21700C.
Identifiers: ClinVar variation 700266 (VCV000700266.20), dbSNP rs370474301, ClinGen allele CA1990449.